The following is an entry in ClinVar:

ClinVar aggregate classification (germline): Uncertain significance (0 of 4 stars; one submission).

Conditions:
COL11A1-related disorder. Also called: COL11A1-related condition; COL11A1-related disorders.

Allele frequency attached by ClinVar (database versions not stated): gnomAD 0.00002; TOPMed 0.00002.
gnomAD v4.1: 4 of 1,612,308 alleles (0.00025%); highest among the groups gnomAD compares: Non-Finnish European, 0.00034%; no homozygotes.

Submission:

PreventionGenetics, part of Exact Sciences
Classification: Uncertain significance for COL11A1-related condition. Last evaluated: 2024-02-26. Review status: no assertion criteria provided. Collection method: clinical testing. Allele origin: germline.
Comment: The COL11A1 c.820G>A variant is predicted to result in the amino acid substitution p.Ala274Thr. To our knowledge, this variant has not been reported in the literature or in a large population database, indicating this variant is rare. At this time, the clinical significance of this variant is uncertain due to the absence of conclusive functional and genetic evidence.

NM_001854.4(COL11A1):c.898-300G>A

Gene: COL11A1 (collagen type XI alpha 1 chain; minus strand). Cytogenetic location: 1p21.1.
Variant type: single nucleotide variant.
Coding change: c.898-300G>A on transcript NM_001854.4 (MANE Select); 300 bases into the intron before coding-DNA position 898, G replaced by A.
Molecular consequence: intron variant. On other transcripts: missense variant (1).
Genome position (GRCh38, 1-based): chr1:103,025,913, C>T on the plus strand (G>A on the coding strand, the complement: COL11A1 is on the minus strand). VCF-style: chr1-103025913-C-T. GRCh37 (hg19) VCF-style: chr1-103491469-C-T.
Other names: c.820G>A, p.Ala274Thr (NM_080629.3); c.781-300G>A (NM_001190709.2); c.897+303G>A (NM_080630.4); short protein forms A274T.
Identifiers: ClinVar variation 3055161 (VCV003055161.2), dbSNP rs762327946, ClinGen allele CA341156303.
Genomic context (GRCh38, chr1:103,025,913, plus strand): 5'-ATGAAAATTTTTCAGATTTGGGGGGTGTAAACTTTTTGGATTTTTCCTTTGATTTAGTAG[C>T]CACTGTCCTCATCTTCTTTTTGAAATTGGATTTCTTTTTCTGTAAAATGTGGTGAAAGAT-3'